The following is an entry in ClinVar:

ClinVar aggregate classification (germline): Uncertain significance (1 of 4 stars; one submission).

Conditions:
EPHX1-related disorder. Also called: EPHX1-related condition.

gnomAD v4.1: 13 of 1,614,036 alleles (0.00081%); highest among the groups gnomAD compares: African/African-American, 0.008%; no homozygotes.

Submission:

PreventionGenetics, part of Exact Sciences
Classification: Uncertain significance for EPHX1-related condition. Last evaluated: 2026-08-14. Review status: criteria provided, single submitter. Criteria: ACMG Guidelines, 2015. Collection method: clinical testing. Allele origin: germline.
Comment: The EPHX1 c.454G>A variant is predicted to result in the amino acid substitution p.Gly152Ser. This variant has been reported as occurring de novo in an individual from a neurodevelopmental disorder cohort (Table S2, Turner et al. 2019. PubMed ID: 31785789). This variant was also reported in a case-control study of hemolysis, elevated liver enzymes, and low platelet (HELLP) syndrome patients; however, evidence to support pathogenicity was not provided (Jiménez et al. 2020. PubMed ID: 33059327). This variant is reported in 0.0018% of alleles in individuals of European (non-Finnish) descent in gnomAD. At this time, the clinical significance of this variant is uncertain due to the absence of conclusive functional and genetic evidence.

NM_001136018.4(EPHX1):c.454G>A (p.Gly152Ser)

Gene: EPHX1 (epoxide hydrolase 1; plus strand). Cytogenetic location: 1q42.12.
Variant type: single nucleotide variant.
Coding change: c.454G>A on transcript NM_001136018.4 (MANE Select); coding-DNA position 454, G replaced by A.
Protein change: p.Gly152Ser; replaces glycine 152 with serine.
Molecular consequence: missense variant. On other transcripts: non-coding transcript variant (3), intron variant (2).
Genome position (GRCh38, 1-based): chr1:225,838,743, G>A. VCF-style: chr1-225838743-G-A. GRCh37 (hg19) VCF-style: chr1-226026444-G-A.
Other names: c.454G>A, p.Gly152Ser (NM_000120.4, NM_001291163.2, NM_001378426.1 and 3 more transcripts); c.427G>A, p.Gly143Ser (NM_001378428.1); c.365-474G>A (NM_001378431.1); c.365-3623G>A (NM_001378432.1); short protein forms G152S, G143S.
Identifiers: ClinVar variation 4984886 (VCV004984886.1).